The following is an entry in ClinVar:

NM_005751.5(AKAP9):c.9446A>G (p.Glu3149Gly)

Gene: AKAP9 (A-kinase anchoring protein 9; plus strand). Cytogenetic location: 7q21.2.
Variant type: single nucleotide variant.
Coding change: c.9446A>G on transcript NM_005751.5 (MANE Select); coding-DNA position 9446, A replaced by G.
Protein change: p.Glu3149Gly; replaces glutamic acid 3149 with glycine.
Molecular consequence: missense variant.
Genome position (GRCh38, 1-based): chr7:92,093,184, A>G. VCF-style: chr7-92093184-A-G. GRCh37 (hg19) VCF-style: chr7-91722498-A-G.
Other names: c.4091A>G, p.Glu1364Gly (NM_001379277.1); c.9422A>G, p.Glu3141Gly (NM_147185.3); short protein forms E3149G, E3141G, E1364G.
Identifiers: ClinVar variation 519410 (VCV000519410.11), dbSNP rs150579291, ClinGen allele CA4337769.

ClinVar aggregate classification (germline): Conflicting classifications of pathogenicity. Review status: criteria provided, conflicting classifications (1 of 4 stars). 2 submissions from 2 submitters: Uncertain significance (1); Benign (1). Last evaluated 2024-01-11.

Conditions:
Cardiovascular phenotype. Identifiers: MedGen CN230736.
Long QT syndrome (LQTS). Identifiers: MedGen C0023976, MeSH D008133, MONDO:0002442. Disease mechanism: loss of function. Inheritance: Various modes of inheritance.

Allele frequency attached by ClinVar (database versions not stated): gnomAD exomes below 0.00001 and 0.00002; ExAC 0.00003; gnomAD 0.00004; TOPMed 0.00007; 1000 Genomes Project 0.00020; ESP Exome Variant Server 0.00023; 1000 Genomes Project 30x 0.00031.
gnomAD v4.1: 9 of 1,614,198 alleles (0.00056%); highest among the groups gnomAD compares: African/African-American, 0.012%; no homozygotes.

Submissions (2):

Ambry Genetics
Classification: Benign for Cardiovascular phenotype. Last evaluated: 2024-01-11. Review status: criteria provided, single submitter. Criteria: Ambry Variant Classification Scheme 2023. Collection method: clinical testing. Allele origin: germline.

Labcorp Genetics (formerly Invitae), Labcorp
Classification: Uncertain significance for Long QT syndrome. Last evaluated: 2022-05-05. Review status: criteria provided, single submitter. Criteria: Invitae Variant Classification Sherloc (09022015). Collection method: clinical testing. Allele origin: germline.
Comment: This variant has not been reported in the literature in individuals affected with AKAP9-related conditions. Algorithms developed to predict the effect of missense changes on protein structure and function are either unavailable or do not agree on the potential impact of this missense change (SIFT: "Tolerated"; PolyPhen-2: "Possibly Damaging"; Align-GVGD: "Class C0"). ClinVar contains an entry for this variant (Variation ID: 519410). This variant is present in population databases (rs150579291, gnomAD 0.02%). This sequence change replaces glutamic acid, which is acidic and polar, with glycine, which is neutral and non-polar, at codon 3149 of the AKAP9 protein (p.Glu3149Gly). In summary, the available evidence is currently insufficient to determine the role of this variant in disease. Therefore, it has been classified as a Variant of Uncertain Significance.